The following is an entry in ClinVar:

NM_001458.5(FLNC):c.8143G>T (p.Val2715Phe)

Genes: FLNC (filamin C; plus strand), FLNC-AS1 (FLNC antisense RNA 1; minus strand). Cytogenetic location: 7q32.1.
Variant type: single nucleotide variant.
Coding change: c.8143G>T on transcript NM_001458.5 (MANE Select); coding-DNA position 8143, G replaced by T.
Protein change: p.Val2715Phe; replaces valine 2715 with phenylalanine.
Molecular consequence: missense variant.
Genome position (GRCh38, 1-based): chr7:128,858,488, G>T. VCF-style: chr7-128858488-G-T. GRCh37 (hg19) VCF-style: chr7-128498542-G-T.
Other names: c.8044G>T, p.Val2682Phe (NM_001127487.2); short protein forms V2682F, V2715F.
Identifiers: ClinVar variation 1062245 (VCV001062245.9), dbSNP rs370832402, ClinGen allele CA369222053.

ClinVar aggregate classification (germline): Uncertain significance (1 of 4 stars; one submission).

Conditions:
Myofibrillar myopathy 5. Also called: Filaminopathy (type); FILAMINOPATHY, AUTOSOMAL DOMINANT. Identifiers: Orphanet 171445, MedGen C1836050, MONDO:0012289, OMIM 609524.
Distal myopathy with posterior leg and anterior hand involvement. Also called: WILLIAMS DISTAL MYOPATHY. Identifiers: Orphanet 63273, MedGen C3279722, MONDO:0013550, OMIM 614065.
Hypertrophic cardiomyopathy 26. Also called: Cardiomyopathy, familial hypertrophic, 26. Identifiers: Orphanet 75249, MedGen C4310749, MONDO:0014883, OMIM 617047.

Submission:

Labcorp Genetics (formerly Invitae), Labcorp
Classification: Uncertain significance for Distal myopathy with posterior leg and anterior hand involvement; Myofibrillar myopathy 5; Hypertrophic cardiomyopathy 26. Last evaluated: 2023-12-30. Review status: criteria provided, single submitter. Criteria: Invitae Variant Classification Sherloc (09022015). Collection method: clinical testing. Allele origin: germline.
Comment: This sequence change replaces valine, which is neutral and non-polar, with phenylalanine, which is neutral and non-polar, at codon 2715 of the FLNC protein (p.Val2715Phe). This variant is not present in population databases (gnomAD no frequency). This variant has not been reported in the literature in individuals affected with FLNC-related conditions. ClinVar contains an entry for this variant (Variation ID: 1062245). Advanced modeling of protein sequence and biophysical properties (such as structural, functional, and spatial information, amino acid conservation, physicochemical variation, residue mobility, and thermodynamic stability) performed at Invitae indicates that this missense variant is not expected to disrupt FLNC protein function with a negative predictive value of 80%. In summary, the available evidence is currently insufficient to determine the role of this variant in disease. Therefore, it has been classified as a Variant of Uncertain Significance.